The following is an entry in ClinVar:

ClinVar aggregate classification (germline): Uncertain significance (1 of 4 stars; one submission).

Conditions:
Niemann-Pick disease, type C1. Also called: NIEMANN-PICK DISEASE, VARIANT TYPE C1; NEUROVISCERAL STORAGE DISEASE WITH VERTICAL SUPRANUCLEAR OPHTHALMOPLEGIA; NIEMANN-PICK DISEASE WITH CHOLESTEROL ESTERIFICATION BLOCK; NIEMANN-PICK DISEASE WITHOUT SPHINGOMYELINASE DEFICIENCY; NIEMANN-PICK DISEASE, CHRONIC NEURONOPATHIC FORM. Identifiers: Orphanet 646, MedGen C3179455, MONDO:0009757, OMIM 257220.

Submission:

Labcorp Genetics (formerly Invitae), Labcorp
Classification: Uncertain significance for Niemann-Pick disease, type C1. Last evaluated: 2022-02-09. Review status: criteria provided, single submitter. Criteria: Invitae Variant Classification Sherloc (09022015). Collection method: clinical testing. Allele origin: germline.
Comment: In summary, the available evidence is currently insufficient to determine the role of this variant in disease. Therefore, it has been classified as a Variant of Uncertain Significance. Algorithms developed to predict the effect of missense changes on protein structure and function (SIFT, PolyPhen-2, Align-GVGD) all suggest that this variant is likely to be disruptive. This variant has not been reported in the literature in individuals affected with NPC1-related conditions. This variant is not present in population databases (gnomAD no frequency). This sequence change replaces methionine, which is neutral and non-polar, with threonine, which is neutral and polar, at codon 1138 of the NPC1 protein (p.Met1138Thr).

NM_000271.5(NPC1):c.3413T>C (p.Met1138Thr)

Gene: NPC1 (NPC intracellular cholesterol transporter 1; minus strand). Cytogenetic location: 18q11.2.
Variant type: single nucleotide variant.
Coding change: c.3413T>C on transcript NM_000271.5 (MANE Select); coding-DNA position 3413, T replaced by C.
Protein change: p.Met1138Thr; replaces methionine 1138 with threonine.
Molecular consequence: missense variant.
Genome position (GRCh38, 1-based): chr18:23,535,533, A>G on the plus strand (T>C on the coding strand, the complement: NPC1 is on the minus strand). VCF-style: chr18-23535533-A-G. GRCh37 (hg19) VCF-style: chr18-21115497-A-G.
Other names: short protein forms M1138T.
Identifiers: ClinVar variation 2087327 (VCV002087327.4), dbSNP rs2511189717, ClinGen allele CA401791256.